The following is an entry in ClinVar:

NM_138295.5(PKD1L1):c.160+5G>A

Gene: PKD1L1 (polycystin 1 like 1, transient receptor potential channel interacting; minus strand). Cytogenetic location: 7p12.3.
Variant type: single nucleotide variant.
Coding change: c.160+5G>A on transcript NM_138295.5 (MANE Select); 5 bases into the intron after coding-DNA position 160, G replaced by A.
Molecular consequence: intron variant.
Genome position (GRCh38, 1-based): chr7:47,943,391, C>T on the plus strand (G>A on the coding strand, the complement: PKD1L1 is on the minus strand). VCF-style: chr7-47943391-C-T. GRCh37 (hg19) VCF-style: chr7-47982988-C-T.
Identifiers: ClinVar variation 4690018 (VCV004690018.1).

ClinVar aggregate classification (germline): Uncertain significance (1 of 4 stars; one submission).

gnomAD v4.1: 4 of 1,611,990 alleles (0.00025%); highest among the groups gnomAD compares: African/African-American, 0.0027%; no homozygotes.

Submission:

GeneDx
Classification: Uncertain significance. Last evaluated: 2025-07-29. Review status: criteria provided, single submitter. Criteria: GeneDx Variant Classification Process June 2021. Collection method: clinical testing. Allele origin: germline. Affected: yes.
Comment: Not observed at significant frequency in large population cohorts (gnomAD); In silico analysis supports a deleterious effect on splicing; Has not been previously published as pathogenic or benign to our knowledge